The following is an entry in ClinVar:

ClinVar aggregate classification (germline): Uncertain significance (1 of 4 stars; one submission).

Allele frequency attached by ClinVar (database versions not stated): gnomAD exomes below 0.00001; TOPMed below 0.00001.
gnomAD v4.1: 6 of 1,613,744 alleles (0.00037%); highest among the groups gnomAD compares: African/African-American, 0.0013%; no homozygotes.

Submission:

Labcorp Genetics (formerly Invitae), Labcorp
Classification: Uncertain significance. Last evaluated: 2022-04-10. Review status: criteria provided, single submitter. Criteria: Invitae Variant Classification Sherloc (09022015). Collection method: clinical testing. Allele origin: germline.
Comment: This sequence change replaces methionine, which is neutral and non-polar, with valine, which is neutral and non-polar, at codon 553 of the TUBGCP6 protein (p.Met553Val). This variant is not present in population databases (gnomAD no frequency). This variant has not been reported in the literature in individuals affected with TUBGCP6-related conditions. Algorithms developed to predict the effect of missense changes on protein structure and function are either unavailable or do not agree on the potential impact of this missense change (SIFT: "Tolerated"; PolyPhen-2: "Possibly Damaging"; Align-GVGD: "Class C0"). In summary, the available evidence is currently insufficient to determine the role of this variant in disease. Therefore, it has been classified as a Variant of Uncertain Significance.

NM_020461.4(TUBGCP6):c.1657A>G (p.Met553Val)

Gene: TUBGCP6 (tubulin gamma complex component 6; minus strand). Cytogenetic location: 22q13.33.
Variant type: single nucleotide variant.
Coding change: c.1657A>G on transcript NM_020461.4 (MANE Select); coding-DNA position 1657, A replaced by G.
Protein change: p.Met553Val; replaces methionine 553 with valine.
Molecular consequence: missense variant.
Genome position (GRCh38, 1-based): chr22:50,226,323, T>C on the plus strand (A>G on the coding strand, the complement: TUBGCP6 is on the minus strand). VCF-style: chr22-50226323-T-C. GRCh37 (hg19) VCF-style: chr22-50664752-T-C.
Other names: short protein forms M553V.
Identifiers: ClinVar variation 1903461 (VCV001903461.2), dbSNP rs75788615, ClinGen allele CA412106134.